The following is an entry in ClinVar:

NM_001111.5(ADAR):c.1740A>T (p.Lys580Asn)

Gene: ADAR (adenosine deaminase RNA specific; minus strand). Cytogenetic location: 1q21.3.
Variant type: single nucleotide variant.
Coding change: c.1740A>T on transcript NM_001111.5 (MANE Select); coding-DNA position 1740, A replaced by T.
Protein change: p.Lys580Asn; replaces lysine 580 with asparagine.
Molecular consequence: missense variant.
Genome position (GRCh38, 1-based): chr1:154,598,447, T>A on the plus strand (A>T on the coding strand, the complement: ADAR is on the minus strand). VCF-style: chr1-154598447-T-A. GRCh37 (hg19) VCF-style: chr1-154570923-T-A.
Other names: c.855A>T, p.Lys285Asn (NM_001025107.3, NM_001193495.2, NM_001365046.1 and 3 more transcripts); c.1767A>T, p.Lys589Asn (NM_001365045.1); c.1740A>T, p.Lys580Asn (NM_015840.4, NM_015841.4); short protein forms K580N, K285N, K589N.
Identifiers: ClinVar variation 1369487 (VCV001369487.8), dbSNP rs2101626421, ClinGen allele CA342639362.

ClinVar aggregate classification (germline): Uncertain significance (1 of 4 stars; one submission).

Conditions:
Aicardi-Goutieres syndrome 6 (AGS6). Identifiers: Orphanet 51, MedGen C3539013, MONDO:0014007, OMIM 615010.
Symmetrical dyschromatosis of extremities (DSH). Also called: Dyschromatosis symmetrica hereditaria; DYSCHROMATOSIS SYMMETRICA HEREDITARIA 1; RETICULATE ACROPIGMENTATION OF DOHI; SYMMETRIC DYSCHROMATOSIS OF THE EXTREMITIES. Identifiers: Orphanet 41, MedGen C0406775, MONDO:0007483, OMIM 127400.

Submission:

Labcorp Genetics (formerly Invitae), Labcorp
Classification: Uncertain significance for Aicardi-Goutieres syndrome 6; Symmetrical dyschromatosis of extremities. Last evaluated: 2022-09-07. Review status: criteria provided, single submitter. Criteria: Invitae Variant Classification Sherloc (09022015). Collection method: clinical testing. Allele origin: germline.
Comment: Algorithms developed to predict the effect of missense changes on protein structure and function (SIFT, PolyPhen-2, Align-GVGD) all suggest that this variant is likely to be tolerated. ClinVar contains an entry for this variant (Variation ID: 1369487). This variant has not been reported in the literature in individuals affected with ADAR-related conditions. This variant is not present in population databases (gnomAD no frequency). This sequence change replaces lysine, which is basic and polar, with asparagine, which is neutral and polar, at codon 580 of the ADAR protein (p.Lys580Asn). In summary, the available evidence is currently insufficient to determine the role of this variant in disease. Therefore, it has been classified as a Variant of Uncertain Significance.